The following is an entry in ClinVar:

ClinVar aggregate classification (germline): Benign (0 of 4 stars; one submission).

Conditions:
SRRM2-related disorder. Also called: SRRM2-related condition.

Allele frequency attached by ClinVar (database versions not stated): 1000 Genomes Project 0.65455; 1000 Genomes Project 30x 0.65943; TOPMed 0.73247; ExAC 0.73696; ESP Exome Variant Server 0.74384.
gnomAD v4.1: 1,230,257 of 1,613,986 alleles (76%); highest among the groups gnomAD compares: Admixed American, 83%; 474,618 homozygotes.

Submission:

PreventionGenetics, part of Exact Sciences
Classification: Benign for SRRM2-related condition. Last evaluated: 2021-05-21. Review status: no assertion criteria provided. Collection method: clinical testing. Allele origin: germline.
Comment: This variant is classified as benign based on ACMG/AMP sequence variant interpretation guidelines (Richards et al. 2015 PMID: 25741868, with internal and published modifications).

NM_016333.4(SRRM2):c.3633G>A (p.Arg1211=)

Gene: SRRM2 (serine/arginine repetitive matrix 2; plus strand). Cytogenetic location: 16p13.3.
Variant type: single nucleotide variant.
Coding change: c.3633G>A on transcript NM_016333.4 (MANE Select); coding-DNA position 3633, G replaced by A.
Protein change: p.Arg1211=; no amino-acid change (arginine 1211 retained).
Molecular consequence: synonymous variant.
Genome position (GRCh38, 1-based): chr16:2,764,161, G>A. VCF-style: chr16-2764161-G-A. GRCh37 (hg19) VCF-style: chr16-2814162-G-A.
Identifiers: ClinVar variation 3060066 (VCV003060066.2), dbSNP rs3094775, ClinGen allele CA7847965.